The following is an entry in ClinVar:

ClinVar aggregate classification (germline): Pathogenic (1 of 4 stars; one submission).

Conditions:
Galactosylceramide beta-galactosidase deficiency. Also called: GALACTOCEREBROSIDASE DEFICIENCY; GALC DEFICIENCY; GLOBOID CELL LEUKOENCEPHALOPATHY; Leukodystrophy, Globoid Cell; Krabbe Disease. Identifiers: Orphanet 487, MedGen C0023521, MONDO:0009499, OMIM 245200.

Submission:

Myriad Genetics, Inc.
Classification: Pathogenic for Galactosylceramide beta-galactosidase deficiency. Last evaluated: 2025-02-13. Review status: criteria provided, single submitter. Criteria: Myriad Autosomal Dominant, Autosomal Recessive and X-Linked Classification Criteria (2023). Collection method: clinical testing. Allele origin: unknown.
Comment: NM_000153.3(GALC):c.1241delA(K414Rfs*43) is expected to be pathogenic in the context of Krabbe disease. This variant is predicted to lead to an abnormal or absent protein product due to the creation of a premature termination codon in GALC, a gene where loss-of-function variants are known to be pathogenic. Please note: this variant was assessed in the context of healthy population screening.

NM_000153.4(GALC):c.1241del (p.Lys414fs)

Gene: GALC (galactosylceramidase; minus strand). Cytogenetic location: 14q31.3.
Variant type: Deletion.
Coding change: c.1241del on transcript NM_000153.4 (MANE Select); coding-DNA position 1241, one base deleted (A; older notation c.1241delA).
Protein change: p.Lys414fs; shifts the reading frame from lysine 414.
Molecular consequence: frameshift variant. On other transcripts: non-coding transcript variant (1).
Genome position (GRCh38, 1-based): chr14:87,950,669, T deleted on the plus strand (A on the coding strand, the reverse complement: GALC is on the minus strand); the first of 2 consecutive T bases (chr14:87,950,669-87,950,670); deleting either gives the same sequence. VCF-style (leftmost placement, unchanged base first): chr14-87950668-CT-C. GRCh37 (hg19) VCF-style: chr14-88417012-CT-C.
Other names: c.1172del, p.Lys391fs (NM_001201401.2); c.1163del, p.Lys388fs (NM_001201402.2); c.1073del, p.Lys358fs (NM_001424071.1, NM_001424072.1, NM_001424073.1); c.893del, p.Lys298fs (NM_001424074.1, NM_001424075.1); c.608del, p.Lys203fs (NM_001424076.1, NM_001424077.1); short protein forms K203fs, K298fs, K358fs, K388fs, K391fs, K414fs.
Identifiers: ClinVar variation 5014094 (VCV005014094.1).
Genomic context (GRCh38, chr14:87,950,668, plus strand): 5'-TATATAAATTCTTAAATCAAAACTAAAATAAAGTTAAACATATTTACTTACAAAAGATCC[CT>C]TAAGAACAAAGGTGGCAAATTGTTGTGACACATTGAAATAAGGAAGAAATGGCCGTATGC-3'